The following is an entry in ClinVar:

NM_004360.4:c.(163+1_164-1)_(1137+1_1138-1)del

Gene: CDH1 (cadherin 1; plus strand).
Variant type: Deletion.
Identifiers: ClinVar variation 2503026 (VCV002503026.1).

ClinVar aggregate classification (germline): Pathogenic (1 of 4 stars; one submission).

Conditions:
Hereditary diffuse gastric adenocarcinoma (HDGC). Also called: DIFFUSE GASTRIC AND LOBULAR BREAST CANCER SYNDROME. Identifiers: Orphanet 26106, MedGen C1708349, MONDO:0007648, OMIM 137215.

Submission:

European Reference Network on Genetic Tumour Risk Syndromes (ERN-GENTURIS), i3s - Instituto de Investigação e Inovação em Saúde, University of Porto
Classification: Pathogenic for Hereditary diffuse gastric adenocarcinoma. Last evaluated: 2022-08-01. Review status: criteria provided, single submitter. Criteria: Lee et al. (Hum Mutat. 2018). Collection method: clinical testing. Allele origin: germline. Inheritance: Autosomal dominant inheritance. Affected: yes. Study: ERN GENTURIS.
Comment: PVS1; PS4_Supporting; PM2 (PMID: 30311375)

Literature cited by the submitters: PubMed 36436516.